The following is an entry in ClinVar:

NM_006947.4(SRP72):c.171G>C (p.Gln57His)

Gene: SRP72 (signal recognition particle 72; plus strand). Cytogenetic location: 4q12.
Variant type: single nucleotide variant.
Coding change: c.171G>C on transcript NM_006947.4 (MANE Select); coding-DNA position 171, G replaced by C.
Protein change: p.Gln57His; replaces glutamine 57 with histidine.
Molecular consequence: missense variant. On other transcripts: non-coding transcript variant (1).
Genome position (GRCh38, 1-based): chr4:56,469,714, G>C. VCF-style: chr4-56469714-G-C. GRCh37 (hg19) VCF-style: chr4-57335880-G-C.
Other names: c.171G>C, p.Gln57His (NM_001267722.2); short protein forms Q57H.
Identifiers: ClinVar variation 5030219 (VCV005030219.1).

ClinVar aggregate classification (germline): Uncertain significance (1 of 4 stars; one submission).

Submission:

Ambry Genetics
Classification: Uncertain significance. Last evaluated: 2026-06-24. Review status: criteria provided, single submitter. Criteria: Ambry Variant Classification Scheme 2023. Collection method: clinical testing. Allele origin: germline.
Comment: The p.Q57H variant (also known as c.171G>C), located in coding exon 2 of the SRP72 gene, results from a G to C substitution at nucleotide position 171. The glutamine at codon 57 is replaced by histidine, an amino acid with highly similar properties. This amino acid position is conserved. In addition, this alteration is predicted to be deleterious by in silico analysis. Based on the available evidence, the clinical significance of this variant remains unclear.